The following is an entry in ClinVar:

NM_001083926.2(ASRGL1):c.239G>T (p.Ser80Ile)

Gene: ASRGL1 (asparaginase and isoaspartyl peptidase 1; plus strand). Cytogenetic location: 11q12.3.
Variant type: single nucleotide variant.
Coding change: c.239G>T on transcript NM_001083926.2 (MANE Select); coding-DNA position 239, G replaced by T.
Protein change: p.Ser80Ile; replaces serine 80 with isoleucine.
Molecular consequence: missense variant.
Genome position (GRCh38, 1-based): chr11:62,356,373, G>T. VCF-style: chr11-62356373-G-T. GRCh37 (hg19) VCF-style: chr11-62123845-G-T.
Other names: c.239G>T, p.Ser80Ile (NM_025080.4); short protein forms S80I.
Identifiers: ClinVar variation 1469288 (VCV001469288.6), dbSNP rs779850075, ClinGen allele CA6043132.

ClinVar aggregate classification (germline): Uncertain significance (1 of 4 stars; one submission).

Allele frequency attached by ClinVar (database versions not stated): gnomAD 0.00001; TOPMed 0.00003.

Submission:

Labcorp Genetics (formerly Invitae), Labcorp
Classification: Uncertain significance. Last evaluated: 2022-05-16. Review status: criteria provided, single submitter. Criteria: Invitae Variant Classification Sherloc (09022015). Collection method: clinical testing. Allele origin: germline.
Comment: This variant is present in population databases (rs779850075, gnomAD 0.008%). In summary, the available evidence is currently insufficient to determine the role of this variant in disease. Therefore, it has been classified as a Variant of Uncertain Significance. Algorithms developed to predict the effect of missense changes on protein structure and function (SIFT, PolyPhen-2, Align-GVGD) all suggest that this variant is likely to be tolerated. This variant has not been reported in the literature in individuals affected with ASRGL1-related conditions. This sequence change replaces serine, which is neutral and polar, with isoleucine, which is neutral and non-polar, at codon 80 of the ASRGL1 protein (p.Ser80Ile).